The following is an entry in ClinVar:

NM_057175.5(NAA15):c.257A>G (p.Tyr86Cys)

Gene: NAA15 (N-alpha-acetyltransferase 15, NatA auxiliary subunit; plus strand). Cytogenetic location: 4q31.1.
Variant type: single nucleotide variant.
Coding change: c.257A>G on transcript NM_057175.5 (MANE Select); coding-DNA position 257, A replaced by G.
Protein change: p.Tyr86Cys; replaces tyrosine 86 with cysteine.
Molecular consequence: missense variant.
Genome position (GRCh38, 1-based): chr4:139,340,924, A>G. VCF-style: chr4-139340924-A-G. GRCh37 (hg19) VCF-style: chr4-140262078-A-G.
Other names: c.257A>G, p.Tyr86Cys (NM_001410842.1); short protein forms Y86C.
Identifiers: ClinVar variation 3372800 (VCV003372800.2).

ClinVar aggregate classification (germline): Conflicting classifications of pathogenicity. Review status: criteria provided, conflicting classifications (1 of 4 stars). 2 submissions from 2 submitters: Likely pathogenic (1); Uncertain significance (1). Last evaluated 2025-04-16.

Conditions:
Intellectual developmental disorder, autosomal dominant 50, with behavioral abnormalities. Also called: Intellectual disability, autosomal dominant 50; MENTAL RETARDATION, AUTOSOMAL DOMINANT 50. Identifiers: MedGen C4540470, MONDO:0030916, OMIM 617787.

Submissions (2):

Clinical Genetics Laboratory, University Hospital Schleswig-Holstein
Classification: Likely pathogenic for Intellectual developmental disorder, autosomal dominant 50, with behavioral abnormalities. Last evaluated: 2025-04-16. Review status: criteria provided, single submitter. Criteria: ACMG Guidelines, 2015. Collection method: clinical testing. Allele origin: de novo. Affected: yes. Observed: 1 heterozygote.
Comment: ACMG criteria applied: PM2, PP3, PP2, PS2_Moderate

GeneDx
Classification: Uncertain significance. Last evaluated: 2024-04-19. Review status: criteria provided, single submitter. Criteria: GeneDx Variant Classification Process June 2021. Collection method: clinical testing. Allele origin: germline. Affected: yes.
Comment: Has not been previously published as pathogenic or benign to our knowledge; Not observed at significant frequency in large population cohorts (gnomAD); In silico analysis supports that this missense variant has a deleterious effect on protein structure/function